The following is an entry in ClinVar:

ClinVar aggregate classification (germline): Likely benign (0 of 4 stars; one submission).

Conditions:
MUC16-related disorder. Also called: MUC16-related condition.

Allele frequency attached by ClinVar (database versions not stated): ESP Exome Variant Server 0.00008; gnomAD 0.00011; ExAC 0.00015; TOPMed 0.00035.

Submission:

PreventionGenetics, part of Exact Sciences
Classification: Likely benign for MUC16-related condition. Last evaluated: 2019-03-25. Review status: no assertion criteria provided. Collection method: clinical testing. Allele origin: germline.
Comment: This variant is classified as likely benign based on ACMG/AMP sequence variant interpretation guidelines (Richards et al. 2015 PMID: 25741868, with internal and published modifications).

NM_001401501.2(MUC16):c.42344+9C>T

Gene: MUC16 (mucin 16, cell surface associated; minus strand). Cytogenetic location: 19p13.2.
Variant type: single nucleotide variant.
Coding change: c.42344+9C>T on transcript NM_001401501.2 (MANE Select); 9 bases into the intron after coding-DNA position 42344, C replaced by T.
Molecular consequence: intron variant.
Genome position (GRCh38, 1-based): chr19:8,871,472, G>A on the plus strand (C>T on the coding strand, the complement: MUC16 is on the minus strand). VCF-style: chr19-8871472-G-A. GRCh37 (hg19) VCF-style: chr19-8982148-G-A.
Other names: c.42770+9C>T (NM_001414686.1); c.42224+9C>T (NM_001414687.1); c.42118+9C>T (NM_024690.2).
Identifiers: ClinVar variation 3051822 (VCV003051822.2), dbSNP rs372566423, ClinGen allele CA9162520.